The following is an entry in ClinVar:

ClinVar aggregate classification (germline): Uncertain significance (1 of 4 stars; one submission).

Conditions:
Osteogenesis imperfecta type I (OI1). Also called: Lobstein disease; Osteogenesis imperfecta type 1; Lobstein's Disease; OI, TYPE I; OSTEOGENESIS IMPERFECTA TARDA; OSTEOGENESIS IMPERFECTA WITH BLUE SCLERAE. Identifiers: Orphanet 216796, Orphanet 666, MedGen C0023931, MONDO:0008146, OMIM 166200. Disease mechanism: loss of function.

gnomAD v4.1: 1 of 1,613,642 alleles (0.000062%); no homozygotes.

Submission:

Labcorp Genetics (formerly Invitae), Labcorp
Classification: Uncertain significance for Osteogenesis imperfecta type I. Last evaluated: 2024-05-29. Review status: criteria provided, single submitter. Criteria: Invitae Variant Classification Sherloc (09022015). Collection method: clinical testing. Allele origin: germline.
Comment: This sequence change replaces proline, which is neutral and non-polar, with threonine, which is neutral and polar, at codon 420 of the COL1A1 protein (p.Pro420Thr). This variant is not present in population databases (gnomAD no frequency). This variant has not been reported in the literature in individuals affected with COL1A1-related conditions. Advanced modeling of protein sequence and biophysical properties (such as structural, functional, and spatial information, amino acid conservation, physicochemical variation, residue mobility, and thermodynamic stability) performed at Invitae indicates that this missense variant is expected to disrupt COL1A1 protein function with a positive predictive value of 95%. In summary, the available evidence is currently insufficient to determine the role of this variant in disease. Therefore, it has been classified as a Variant of Uncertain Significance.

NM_000088.4(COL1A1):c.1258C>A (p.Pro420Thr)

Gene: COL1A1 (collagen type I alpha 1 chain; minus strand). Cytogenetic location: 17q21.33.
Variant type: single nucleotide variant.
Coding change: c.1258C>A on transcript NM_000088.4 (MANE Select); coding-DNA position 1258, C replaced by A.
Protein change: p.Pro420Thr; replaces proline 420 with threonine.
Molecular consequence: missense variant.
Genome position (GRCh38, 1-based): chr17:50,195,273, G>T on the plus strand (C>A on the coding strand, the complement: COL1A1 is on the minus strand). VCF-style: chr17-50195273-G-T. GRCh37 (hg19) VCF-style: chr17-48272634-G-T.
Other names: short protein forms P420T.
Identifiers: ClinVar variation 3605733 (VCV003605733.2).